The following is an entry in ClinVar:

ClinVar aggregate classification (germline): Uncertain significance (1 of 4 stars; one submission).

Submission:

GeneDx
Classification: Uncertain significance. Last evaluated: 2023-05-04. Review status: criteria provided, single submitter. Criteria: GeneDx Variant Classification Process June 2021. Collection method: clinical testing. Allele origin: germline. Affected: yes.
Comment: Not observed at significant frequency in large population cohorts (gnomAD); In-frame deletion of 3 amino acids in a non-repeat region; Has not been previously published as pathogenic or benign to our knowledge; Observed in at least one heterozygous clinically unaffected adult relative of an individual referred for genetic testing at GeneDx; In silico analysis supports a deleterious effect on protein structure/function

NM_004380.3(CREBBP):c.5829_5837del (p.Ala1944_Pro1946del)

Gene: CREBBP (CREB binding protein; minus strand). Cytogenetic location: 16p13.3.
Variant type: Deletion.
Coding change: c.5829_5837del on transcript NM_004380.3 (MANE Select); coding-DNA positions 5829 to 5837, 9 bases deleted (GGCCCCCCC; older notation c.5829_5837delGGCCCCCCC).
Protein change: p.Ala1944_Pro1946del.
Molecular consequence: inframe deletion.
Genome position (GRCh38, 1-based): chr16:3,729,210-3,729,218, GGGGGGGCC deleted on the plus strand (GGCCCCCCC on the coding strand, the reverse complement: CREBBP is on the minus strand); deleting any 9 consecutive bases within chr16:3,729,210-3,729,220 gives the same sequence; the c. name uses the placement nearest the transcript's 3' end. VCF-style (leftmost placement, unchanged base first): chr16-3729209-TGGGGGGGCC-T. GRCh37 (hg19) VCF-style: chr16-3779210-TGGGGGGGCC-T.
Other names: c.5715_5723del, p.Ala1906_Pro1908del (NM_001079846.1).
Identifiers: ClinVar variation 2580454 (VCV002580454.1), dbSNP rs2548348650, ClinGen allele CA2580618128.